The following is an entry in ClinVar:

ClinVar aggregate classification (germline): Pathogenic (1 of 4 stars; one submission).

Conditions:
Hereditary cancer-predisposing syndrome. Also called: Tumor predisposition; Neoplastic Syndromes, Hereditary; Hereditary Cancer Syndrome; Hereditary neoplastic syndrome. Identifiers: Orphanet 140162, MedGen C0027672, MeSH D009386, MONDO:0015356.

Submission:

Ambry Genetics
Classification: Pathogenic for Hereditary cancer-predisposing syndrome. Last evaluated: 2024-11-14. Review status: criteria provided, single submitter. Criteria: Ambry Variant Classification Scheme 2023. Collection method: clinical testing. Allele origin: germline.
Comment: The c.465_468dupTTAC pathogenic mutation, located in coding exon 3 of the CHEK2 gene, results from a duplication of TTAC at nucleotide position 465, causing a translational frameshift with a predicted alternate stop codon (p.I157Lfs*30). This variant is considered to be rare based on population cohorts in the Genome Aggregation Database (gnomAD). This alteration is expected to result in loss of function by premature protein truncation or nonsense-mediated mRNA decay. As such, this alteration is interpreted as a disease-causing mutation.

NM_007194.4(CHEK2):c.465_468dup (p.Ile157fs)

Gene: CHEK2 (checkpoint kinase 2; minus strand). Cytogenetic location: 22q12.1.
Variant type: Duplication.
Coding change: c.465_468dup on transcript NM_007194.4 (MANE Select); coding-DNA positions 465 to 468, 4 bases duplicated (TTAC; older notation c.465_468dupTTAC).
Protein change: p.Ile157fs; shifts the reading frame from isoleucine 157.
Molecular consequence: frameshift variant. On other transcripts: 5 prime UTR variant (2), intron variant (1).
Genome position (GRCh38, 1-based): chr22:28,725,101-28,725,104, GTAA duplicated on the plus strand (TTAC on the coding strand, the reverse complement: CHEK2 is on the minus strand); duplicating any 4 consecutive bases within chr22:28,725,101-28,725,105 gives the same sequence; the c. name uses the placement nearest the transcript's 3' end. VCF-style (leftmost placement, unchanged base first): chr22-28725100-T-TGTAA. GRCh37 (hg19) VCF-style: chr22-29121088-T-TGTAA.
Other names: c.594_597dup, p.Ile200fs (NM_001005735.3, NM_001438294.1); c.-313_-310dup (NM_001257387.3); c.-199_-196dup (NM_001437942.1); c.558_561dup, p.Ile188fs (NM_001438293.1, NM_001438295.1); c.465_468dup, p.Ile157fs (NM_145862.3); c.444+139_444+142dup (NM_001349956.3); short protein forms I157fs, I200fs, I188fs.
Identifiers: ClinVar variation 3492183 (VCV003492183.1).